The following is an entry in ClinVar:

NM_000222.3(KIT):c.2746A>G (p.Thr916Ala)

Gene: KIT (KIT proto-oncogene, receptor tyrosine kinase; plus strand). Cytogenetic location: 4q12.
Variant type: single nucleotide variant.
Coding change: c.2746A>G on transcript NM_000222.3 (MANE Select); coding-DNA position 2746, A replaced by G.
Protein change: p.Thr916Ala; replaces threonine 916 with alanine.
Molecular consequence: missense variant.
Genome position (GRCh38, 1-based): chr4:54,737,224, A>G. VCF-style: chr4-54737224-A-G. GRCh37 (hg19) VCF-style: chr4-55603390-A-G.
Other names: c.2734A>G, p.Thr912Ala (NM_001093772.2, NM_001385292.1); c.2749A>G, p.Thr917Ala (NM_001385284.1); c.2743A>G, p.Thr915Ala (NM_001385285.1); c.2731A>G, p.Thr911Ala (NM_001385286.1); c.2737A>G, p.Thr913Ala (NM_001385288.1); c.2746A>G, p.Thr916Ala (NM_001385290.1); short protein forms T916A, T912A, T911A, T913A, T915A, T917A.
Identifiers: ClinVar variation 528587 (VCV000528587.14), dbSNP rs1453023259, ClinGen allele CA356914384.

ClinVar aggregate classification (germline): Uncertain significance. Review status: criteria provided, multiple submitters, no conflicts (2 of 4 stars). 4 submissions from 4 submitters: Uncertain significance (4). Last evaluated 2026-01-15.

Conditions:
Gastrointestinal stromal tumor. Also called: Gastrointestinal stroma tumor; Gastrointestinal stromal tumor, somatic. Identifiers: Orphanet 44890, MedGen C0238198, MeSH D046152, MONDO:0011719, OMIM 606764, HP:0100723.
Hereditary cancer-predisposing syndrome. Also called: Tumor predisposition; Hereditary neoplastic syndrome; Hereditary Cancer Syndrome; Neoplastic Syndromes, Hereditary. Identifiers: Orphanet 140162, MedGen C0027672, MeSH D009386, MONDO:0015356.
Mastocytosis. Also called: Mast Cell Disease. Identifiers: Orphanet 98292, MedGen C0024899, MONDO:0007950, HP:0100495.

Allele frequency attached by ClinVar (database versions not stated): gnomAD 0.00001; TOPMed 0.00002.
gnomAD v4.1: 8 of 1,613,920 alleles (0.0005%); highest among the groups gnomAD compares: Admixed American, 0.0017%; no homozygotes.

Submissions (4):

Dasa
Classification: Uncertain significance for mastocytosis. Last evaluated: 2026-01-15. Review status: criteria provided, single submitter. Criteria: DASA Assertion Criteria. Collection method: clinical testing. Allele origin: germline.
Comment: NM_000222.3(KIT):c.2746A>G (p.Thr916Ala) is a missense variant that results in the substitution of threonine with alanine. This variant is rare in population databases. The currently available literature and clinical evidence are not sufficient to establish a definitive association between this variant and the reported condition. Therefore, this variant is classified as a variant of uncertain significance.

Labcorp Genetics (formerly Invitae), Labcorp
Classification: Uncertain significance for Gastrointestinal stromal tumor. Last evaluated: 2025-12-22. Review status: criteria provided, single submitter. Criteria: Invitae Variant Classification Sherloc (09022015). Collection method: clinical testing. Allele origin: germline.
Comment: This sequence change replaces threonine, which is neutral and polar, with alanine, which is neutral and non-polar, at codon 916 of the KIT protein (p.Thr916Ala). This variant is not present in population databases (gnomAD no frequency). This variant has not been reported in the literature in individuals affected with KIT-related conditions. ClinVar contains an entry for this variant (Variation ID: 528587). An algorithm developed to predict the effect of missense changes on protein structure and function (PolyPhen-2) suggests that this variant is likely to be tolerated. In summary, the available evidence is currently insufficient to determine the role of this variant in disease. Therefore, it has been classified as a Variant of Uncertain Significance.

Ambry Genetics
Classification: Uncertain significance for Hereditary cancer-predisposing syndrome. Last evaluated: 2025-02-12. Review status: criteria provided, single submitter. Criteria: Ambry Variant Classification Scheme 2023. Collection method: clinical testing. Allele origin: germline.
Comment: The p.T916A variant (also known as c.2746A>G), located in coding exon 20 of the KIT gene, results from an A to G substitution at nucleotide position 2746. The threonine at codon 916 is replaced by alanine, an amino acid with similar properties. This amino acid position is well conserved in available vertebrate species. In addition, the in silico prediction for this alteration is inconclusive. Based on the available evidence, the clinical significance of this variant remains unclear.

Baylor Genetics
Classification: Uncertain significance for Gastrointestinal stromal tumor. Last evaluated: 2024-02-02. Review status: criteria provided, single submitter. Criteria: ACMG Guidelines, 2015. Collection method: clinical testing. Allele origin: unknown.